The following is an entry in ClinVar:

ClinVar aggregate classification (germline): Uncertain significance (1 of 4 stars; one submission).

Submission:

Labcorp Genetics (formerly Invitae), Labcorp
Classification: Uncertain significance. Last evaluated: 2025-04-28. Review status: criteria provided, single submitter. Criteria: Invitae Variant Classification Sherloc (09022015). Collection method: clinical testing. Allele origin: germline.
Comment: This sequence change replaces leucine, which is neutral and non-polar, with phenylalanine, which is neutral and non-polar, at codon 363 of the CNGA3 protein (p.Leu363Phe). This variant is not present in population databases (gnomAD no frequency). This variant has not been reported in the literature in individuals affected with CNGA3-related conditions. ClinVar contains an entry for this variant (Variation ID: 2012644). Invitae Evidence Modeling of protein sequence and biophysical properties (such as structural, functional, and spatial information, amino acid conservation, physicochemical variation, residue mobility, and thermodynamic stability) has been performed for this missense variant. However, the output from this modeling did not meet the statistical confidence thresholds required to predict the impact of this variant on CNGA3 protein function. In summary, the available evidence is currently insufficient to determine the role of this variant in disease. Therefore, it has been classified as a Variant of Uncertain Significance.

NM_001298.3(CNGA3):c.1087C>T (p.Leu363Phe)

Gene: CNGA3 (cyclic nucleotide gated channel subunit alpha 3; plus strand). Cytogenetic location: 2q11.2.
Variant type: single nucleotide variant.
Coding change: c.1087C>T on transcript NM_001298.3 (MANE Select); coding-DNA position 1087, C replaced by T.
Protein change: p.Leu363Phe; replaces leucine 363 with phenylalanine.
Molecular consequence: missense variant.
Genome position (GRCh38, 1-based): chr2:98,396,257, C>T. VCF-style: chr2-98396257-C-T. GRCh37 (hg19) VCF-style: chr2-99012720-C-T.
Other names: c.1033C>T, p.Leu345Phe (NM_001079878.2); short protein forms L345F, L363F.
Identifiers: ClinVar variation 2012644 (VCV002012644.4), dbSNP rs2467029082, ClinGen allele CA347832804.